The following is an entry in ClinVar:

NM_152703.5(SAMD9L):c.265C>A (p.Gln89Lys)

Gene: SAMD9L (sterile alpha motif domain containing 9 like; minus strand). Cytogenetic location: 7q21.2.
Variant type: single nucleotide variant.
Coding change: c.265C>A on transcript NM_152703.5 (MANE Select); coding-DNA position 265, C replaced by A.
Protein change: p.Gln89Lys; replaces glutamine 89 with lysine.
Molecular consequence: missense variant.
Genome position (GRCh38, 1-based): chr7:93,135,707, G>T on the plus strand (C>A on the coding strand, the complement: SAMD9L is on the minus strand). VCF-style: chr7-93135707-G-T. GRCh37 (hg19) VCF-style: chr7-92765020-G-T.
Other names: c.265C>A, p.Gln89Lys (NM_001303496.3, NM_001303497.3, NM_001303498.3 and 5 more transcripts); short protein forms Q89K.
Identifiers: ClinVar variation 2070081 (VCV002070081.4), dbSNP rs1792414639, ClinGen allele CA368206383.

ClinVar aggregate classification (germline): Uncertain significance (1 of 4 stars; one submission).

Submission:

Labcorp Genetics (formerly Invitae), Labcorp
Classification: Uncertain significance. Last evaluated: 2022-03-20. Review status: criteria provided, single submitter. Criteria: Invitae Variant Classification Sherloc (09022015). Collection method: clinical testing. Allele origin: germline.
Comment: In summary, the available evidence is currently insufficient to determine the role of this variant in disease. Therefore, it has been classified as a Variant of Uncertain Significance. Algorithms developed to predict the effect of missense changes on protein structure and function output the following: SIFT: "Not Available"; PolyPhen-2: "Benign"; Align-GVGD: "Not Available". The lysine amino acid residue is found in multiple mammalian species, which suggests that this missense change does not adversely affect protein function. This variant has not been reported in the literature in individuals affected with SAMD9L-related conditions. This variant is not present in population databases (gnomAD no frequency). This sequence change replaces glutamine, which is neutral and polar, with lysine, which is basic and polar, at codon 89 of the SAMD9L protein (p.Gln89Lys).